The following is an entry in ClinVar:

ClinVar aggregate classification (germline): Uncertain significance (1 of 4 stars; one submission).

Conditions:
Hereditary cancer-predisposing syndrome. Also called: Neoplastic Syndromes, Hereditary; Hereditary Cancer Syndrome; Hereditary neoplastic syndrome; Tumor predisposition. Identifiers: Orphanet 140162, MedGen C0027672, MeSH D009386, MONDO:0015356.

Allele frequency attached by ClinVar (database versions not stated): TOPMed below 0.00001.

Submission:

Ambry Genetics
Classification: Uncertain significance for Hereditary cancer-predisposing syndrome. Last evaluated: 2023-05-02. Review status: criteria provided, single submitter. Criteria: Ambry Variant Classification Scheme 2023. Collection method: clinical testing. Allele origin: germline.
Comment: The p.E440D variant (also known as c.1320G>C), located in coding exon 9 of the FLCN gene, results from a G to C substitution at nucleotide position 1320. The glutamic acid at codon 440 is replaced by aspartic acid, an amino acid with highly similar properties. This amino acid position is conserved. In addition, this alteration is predicted to be tolerated by in silico analysis. Since supporting evidence is limited at this time, the clinical significance of this alteration remains unclear.

NM_144997.7(FLCN):c.1320G>C (p.Glu440Asp)

Gene: FLCN (folliculin; minus strand). Cytogenetic location: 17p11.2.
Variant type: single nucleotide variant.
Coding change: c.1320G>C on transcript NM_144997.7 (MANE Select); coding-DNA position 1320, G replaced by C.
Protein change: p.Glu440Asp; replaces glutamic acid 440 with aspartic acid.
Molecular consequence: missense variant.
Genome position (GRCh38, 1-based): chr17:17,215,297, C>G on the plus strand (G>C on the coding strand, the complement: FLCN is on the minus strand). VCF-style: chr17-17215297-C-G. GRCh37 (hg19) VCF-style: chr17-17118611-C-G.
Other names: c.1374G>C, p.Glu458Asp (NM_001353229.2); c.1320G>C, p.Glu440Asp (NM_001353230.2, NM_001353231.2); short protein forms E440D, E458D.
Identifiers: ClinVar variation 2566326 (VCV002566326.2), dbSNP rs1443990365, ClinGen allele CA398531476.
Genomic context (GRCh38, chr17:17,215,297, plus strand): 5'-GAGAGACTGGTCATCCTCACACCCCACAGGGTGGAGGGTGGAACGTGCGGCTGCGTGGAC[C>G]TCCACGATGACAGCAAACTCTGTAACAACACAAGGCCCGTGGCTCCTCATCTCCCCCATG-3'
Protein context (NP_659434.2, residues 430-450): VLSSEFAVIV[Glu440Asp]VHAAARSTLH